The following is an entry in ClinVar:

NM_000377.3(WAS):c.355G>T (p.Gly119Ter)

Gene: WAS (WASP actin nucleation promoting factor; plus strand). Cytogenetic location: Xp11.23.
Variant type: single nucleotide variant.
Coding change: c.355G>T on transcript NM_000377.3 (MANE Select); coding-DNA position 355, G replaced by T.
Protein change: p.Gly119Ter; replaces glycine 119 with a stop codon.
Molecular consequence: nonsense.
Genome position (GRCh38, 1-based): chrX:48,685,628, G>T. VCF-style: chrX-48685628-G-T. GRCh37 (hg19) VCF-style: chrX-48544017-G-T.
Other names: short protein forms G119*.
Identifiers: ClinVar variation 660964 (VCV000660964.6), dbSNP rs1602177243, ClinGen allele CA412867255.

ClinVar aggregate classification (germline): Pathogenic (1 of 4 stars; one submission).

Conditions:
Wiskott-Aldrich syndrome (WAS). Also called: WISKOTT-ALDRICH SYNDROME 1; ALDRICH SYNDROME; IMMUNODEFICIENCY 2; Wiskott-aldrich syndrome, somatic. Identifiers: Orphanet 906, MedGen C0043194, MONDO:0010518, OMIM 301000.
X-linked severe congenital neutropenia (SCNX). Identifiers: Orphanet 86788, MedGen C1845987, MONDO:0010294, OMIM 300299.
Thrombocytopenia 1. Also called: X-linked thrombocytopenia with normal platelets; THROMBOCYTOPENIA, X-LINKED, 1; X-Linked Thrombocytopenia (XLT). Identifiers: Orphanet 268322, Orphanet 852, MedGen C1839163, MONDO:0010743, OMIM 313900.

Submission:

Labcorp Genetics (formerly Invitae), Labcorp
Classification: Pathogenic for Wiskott-Aldrich syndrome; X-linked severe congenital neutropenia; Thrombocytopenia 1. Last evaluated: 2018-12-12. Review status: criteria provided, single submitter. Criteria: Invitae Variant Classification Sherloc (09022015). Collection method: clinical testing. Allele origin: germline.
Comment: For these reasons, this variant has been classified as Pathogenic. Loss-of-function variants in WAS are known to be pathogenic (PMID: 15284122). This variant has not been reported in the literature in individuals with WAS-related disease. This variant is not present in population databases (ExAC no frequency). This sequence change creates a premature translational stop signal (p.Gly119*) in the WAS gene. It is expected to result in an absent or disrupted protein product.

Literature cited by the submitters: PubMed 15284122.